The following is an entry in ClinVar:

ClinVar aggregate classification (germline): Conflicting classifications of pathogenicity. Review status: criteria provided, conflicting classifications (1 of 4 stars). 2 submissions from 2 submitters: Uncertain significance (1); Likely benign (1). Last evaluated 2025-03-03.

Conditions:
Acute myeloid leukemia (AML). Also called: Acute myeloid leukemia, adult; AML adult; Acute non-lymphocytic leukemia; Acute granulocytic leukemia; Leukemia, acute myeloid, somatic; Leukemia, acute myelogenous, somatic. Identifiers: Orphanet 519, MedGen C0023467, MeSH D015470, MONDO:0018874, OMIM 601626, HP:0004808. Disease mechanism: Constitutively activated FLT3.
Inborn genetic diseases. Identifiers: MedGen C0950123, MeSH D030342.

gnomAD v4.1: 5 of 1,340,604 alleles (0.00037%); highest among the groups gnomAD compares: Non-Finnish European, 0.00048%; no homozygotes.

Submissions (2):

Ambry Genetics
Classification: Likely benign for Inborn genetic diseases. Last evaluated: 2025-03-03. Review status: criteria provided, single submitter. Criteria: Ambry Variant Classification Scheme 2023. Collection method: clinical testing. Allele origin: germline.

Labcorp Genetics (formerly Invitae), Labcorp
Classification: Uncertain significance for Acute myeloid leukemia. Last evaluated: 2022-06-11. Review status: criteria provided, single submitter. Criteria: Invitae Variant Classification Sherloc (09022015). Collection method: clinical testing. Allele origin: germline.
Comment: In summary, the available evidence is currently insufficient to determine the role of this variant in disease. Therefore, it has been classified as a Variant of Uncertain Significance. This sequence change replaces serine, which is neutral and polar, with arginine, which is basic and polar, at codon 21 of the CEBPA protein (p.Ser21Arg). This variant is not present in population databases (gnomAD no frequency). This variant has not been reported in the literature in individuals affected with CEBPA-related conditions. Algorithms developed to predict the effect of missense changes on protein structure and function (SIFT, PolyPhen-2, Align-GVGD) all suggest that this variant is likely to be tolerated.

NM_004364.5(CEBPA):c.63C>G (p.Ser21Arg)

Gene: CEBPA (CCAAT enhancer binding protein alpha; minus strand). Cytogenetic location: 19q13.11.
Variant type: single nucleotide variant.
Coding change: c.63C>G on transcript NM_004364.5 (MANE Select); coding-DNA position 63, C replaced by G.
Protein change: p.Ser21Arg; replaces serine 21 with arginine.
Molecular consequence: missense variant. On other transcripts: 5 prime UTR variant (1).
Genome position (GRCh38, 1-based): chr19:33,302,352, G>C on the plus strand (C>G on the coding strand, the complement: CEBPA is on the minus strand). VCF-style: chr19-33302352-G-C. GRCh37 (hg19) VCF-style: chr19-33793258-G-C.
Other names: c.-295C>G (NM_001285829.2); c.168C>G, p.Ser56Arg (NM_001287424.2); c.21C>G, p.Ser7Arg (NM_001287435.2); short protein forms S7R, S21R, S56R.
Identifiers: ClinVar variation 2179945 (VCV002179945.5), dbSNP rs867113214, ClinGen allele CA405275753.